The following is an entry in ClinVar:

ClinVar aggregate classification (germline): Uncertain significance (1 of 4 stars; one submission).

Allele frequency attached by ClinVar (database versions not stated): gnomAD exomes below 0.00001; TOPMed 0.00002.
gnomAD v4.1: 3 of 1,589,416 alleles (0.00019%); highest among the groups gnomAD compares: East Asian, 0.0046%; no homozygotes.

Submission:

Labcorp Genetics (formerly Invitae), Labcorp
Classification: Uncertain significance. Last evaluated: 2020-09-11. Review status: criteria provided, single submitter. Criteria: Invitae Variant Classification Sherloc (09022015). Collection method: clinical testing. Allele origin: germline.
Comment: This sequence change replaces serine with glycine at codon 1581 of the KIAA1549 protein (p.Ser1581Gly). The serine residue is highly conserved and there is a small physicochemical difference between serine and glycine. This variant is not present in population databases (ExAC no frequency). In summary, the available evidence is currently insufficient to determine the role of this variant in disease. Therefore, it has been classified as a Variant of Uncertain Significance. Algorithms developed to predict the effect of missense changes on protein structure and function are either unavailable or do not agree on the potential impact of this missense change (SIFT: "Tolerated"; PolyPhen-2: "Probably Damaging"; Align-GVGD: "Class C0"). This variant has not been reported in the literature in individuals with KIAA1549-related conditions.

NM_001164665.2(KIAA1549):c.4741A>G (p.Ser1581Gly)

Gene: KIAA1549 (KIAA1549; minus strand). Cytogenetic location: 7q34.
Variant type: single nucleotide variant.
Coding change: c.4741A>G on transcript NM_001164665.2 (MANE Select); coding-DNA position 4741, A replaced by G.
Protein change: p.Ser1581Gly; replaces serine 1581 with glycine.
Molecular consequence: missense variant.
Genome position (GRCh38, 1-based): chr7:138,869,572, T>C on the plus strand (A>G on the coding strand, the complement: KIAA1549 is on the minus strand). VCF-style: chr7-138869572-T-C. GRCh37 (hg19) VCF-style: chr7-138554318-T-C.
Other names: c.4741A>G, p.Ser1581Gly (NM_020910.3); short protein forms S1581G.
Identifiers: ClinVar variation 1018240 (VCV001018240.8), dbSNP rs1179069821, ClinGen allele CA369373404.